The following is an entry in ClinVar:

NM_007294.4(BRCA1):c.4484+463C>T

Gene: BRCA1 (BRCA1 DNA repair associated; minus strand). Cytogenetic location: 17q21.31.
Variant type: single nucleotide variant.
Coding change: c.4484+463C>T on transcript NM_007294.4 (MANE Select); 463 bases into the intron after coding-DNA position 4484, C replaced by T.
Molecular consequence: intron variant.
Genome position (GRCh38, 1-based): chr17:43,076,025, G>A on the plus strand (C>T on the coding strand, the complement: BRCA1 is on the minus strand). VCF-style: chr17-43076025-G-A. GRCh37 (hg19) VCF-style: chr17-41228042-G-A.
Other names: IVS 14+463C>T; c.1175+463C>T (NM_001407977.1, NM_001407976.1, NM_001407974.1 and 3 more transcripts); c.4478+463C>T (NM_001407642.1, NM_001407634.1, NM_001407632.1 and 14 more transcripts); c.4481+463C>T (NM_001407625.1, NM_001407619.1, NM_001407610.1 and 17 more transcripts); c.4484+463C>T (NM_001407684.1, NM_001407594.1, NM_001407593.1 and 8 more transcripts); c.4547+463C>T (NM_001407583.1, NM_001407587.1, NM_001407585.1 and 1 more transcripts); c.4343+463C>T (NM_001407724.1, NM_001407697.1, NM_001407728.1 and 13 more transcripts); c.4337+463C>T (NM_001407838.1, NM_001407848.1, NM_001407839.1 and 12 more transcripts); and 72 more.
Identifiers: ClinVar variation 209380 (VCV000209380.2), dbSNP rs56295923, ClinGen allele CA276352.
Genomic context (GRCh38, chr17:43,076,025, plus strand): 5'-TGCTTGTGGACCCAGCTACTCAGGAGGCTAAGGTGGGAGGATTGCTTGAGCCTGAAAAAC[G>A]GAGGATGCAGTGAGCCATGACTGCACCACTGCAATCTAGGTGACACAGGGCGACCCTGTC-3'

ClinVar aggregate classification (germline): Benign (3 of 4 stars; one submission).

Conditions:
Breast-ovarian cancer, familial, susceptibility to, 1 (BROVCA1). Also called: BRCA1 Hereditary Breast and Ovarian Cancer; OVARIAN CANCER, SUSCEPTIBILITY TO. Identifiers: Orphanet 145, MedGen C2676676, MONDO:0011450, OMIM 604370. Disease mechanism: loss of function.

Allele frequency attached by ClinVar (database versions not stated): gnomAD 0.00049 and 0.00061; TOPMed 0.00069; 1000 Genomes Project 0.00140; 1000 Genomes Project 30x 0.00172.
gnomAD v4.1: 92 of 151,948 alleles (0.061%); highest among the groups gnomAD compares: East Asian, 1.6%; no homozygotes.

Submission:

Evidence-based Network for the Interpretation of Germline Mutant Alleles (ENIGMA)
Classification: Benign for Breast-ovarian cancer, familial 1. Last evaluated: 2015-01-12. Review status: reviewed by expert panel. Criteria: ENIGMA BRCA1/2 Classification Criteria (2015). Collection method: curation. Allele origin: germline.
Comment: Class 1 not pathogenic based on frequency >1% in an outbred sampleset. Frequency 0.01049 (Asian), derived from 1000 genomes (2012-04-30).